The following is an entry in ClinVar:

ClinVar aggregate classification (germline): Uncertain significance (1 of 4 stars; one submission).

Submission:

Ambry Genetics
Classification: Uncertain significance. Last evaluated: 2023-07-01. Review status: criteria provided, single submitter. Criteria: Ambry Variant Classification Scheme 2023. Collection method: clinical testing. Allele origin: germline.
Comment: The p.I175V variant (also known as c.523A>G), located in coding exon 1 of the MLH3 gene, results from an A to G substitution at nucleotide position 523. The isoleucine at codon 175 is replaced by valine, an amino acid with highly similar properties. This amino acid position is conserved. In addition, this alteration is predicted to be tolerated by in silico analysis. Since supporting evidence is limited at this time, the clinical significance of this alteration remains unclear.

NM_001040108.2(MLH3):c.523A>G (p.Ile175Val)

Gene: MLH3 (mutL homolog 3; minus strand). Cytogenetic location: 14q24.3.
Variant type: single nucleotide variant.
Coding change: c.523A>G on transcript NM_001040108.2 (MANE Select); coding-DNA position 523, A replaced by G.
Protein change: p.Ile175Val; replaces isoleucine 175 with valine.
Molecular consequence: missense variant.
Genome position (GRCh38, 1-based): chr14:75,049,133, T>C on the plus strand (A>G on the coding strand, the complement: MLH3 is on the minus strand). VCF-style: chr14-75049133-T-C. GRCh37 (hg19) VCF-style: chr14-75515836-T-C.
Other names: c.523A>G, p.Ile175Val (NM_014381.3); short protein forms I175V.
Identifiers: ClinVar variation 2625643 (VCV002625643.2), dbSNP rs2503325305, ClinGen allele CA390449974.
Genomic context (GRCh38, chr14:75,049,133, plus strand): 5'-CAGAAACATCATTTCTCAAAGAGAAAGAAATGGAAGGGTGCATGAGTGAGAGAGCTTCTA[T>C]TCTCTGCCTAACCTTCTCAAACTCCAGTCTAGGGTCCATGCATTTCCTCCTTACAGGAAG-3'
Protein context (NP_001035197.1, residues 165-185): RLEFEKVRQR[Ile175Val]EALSLMHPSI